The following is an entry in ClinVar:

NM_001267550.2(TTN):c.5813T>C (p.Val1938Ala)

Gene: TTN (titin; minus strand). Cytogenetic location: 2q31.2.
Variant type: single nucleotide variant.
Coding change: c.5813T>C on transcript NM_001267550.2 (MANE Select); coding-DNA position 5813, T replaced by C.
Protein change: p.Val1938Ala; replaces valine 1938 with alanine.
Molecular consequence: missense variant.
Genome position (GRCh38, 1-based): chr2:178,776,051, A>G on the plus strand (T>C on the coding strand, the complement: TTN is on the minus strand). VCF-style: chr2-178776051-A-G. GRCh37 (hg19) VCF-style: chr2-179640778-A-G.
Other names: c.5813T>C, p.Val1938Ala (NM_001256850.1, NM_133378.4, NM_133379.5); c.5675T>C, p.Val1892Ala (NM_003319.4, NM_133432.3, NM_133437.4); short protein forms V1892A, V1938A.
Identifiers: ClinVar variation 1748989 (VCV001748989.4), dbSNP rs781196395, ClinGen allele CA2005136.

ClinVar aggregate classification (germline): Conflicting classifications of pathogenicity. Review status: criteria provided, conflicting classifications (1 of 4 stars). 3 submissions from 3 submitters: Uncertain significance (1); Likely benign (1). 1 of the submissions does not count toward it. Last evaluated 2023-10-20.

Conditions:
TTN-related disorder. Also called: TTN-related condition; TTN-related disease; TTN-related disorders.
Cardiovascular phenotype. Identifiers: MedGen CN230736.

Allele frequency attached by ClinVar (database versions not stated): ExAC 0.00004; TOPMed 0.00005; gnomAD exomes 0.00002 and 0.00003.
gnomAD v4.1: 26 of 1,614,170 alleles (0.0016%); highest among the groups gnomAD compares: Middle Eastern, 0.016%; no homozygotes.

Submissions (3):

Revvity Omics, Revvity
Classification: Uncertain significance. Last evaluated: 2023-10-20. Review status: criteria provided, single submitter. Criteria: ACMG Guidelines, 2015. Collection method: clinical testing. Allele origin: germline.

Ambry Genetics
Classification: Likely benign for Cardiovascular phenotype. Last evaluated: 2020-09-14. Review status: criteria provided, single submitter. Criteria: Ambry Variant Classification Scheme 2023. Collection method: clinical testing. Allele origin: germline.

PreventionGenetics, part of Exact Sciences
Classification: Uncertain significance for TTN-related condition. Last evaluated: 2024-08-08. Review status: no assertion criteria provided. Collection method: clinical testing. Allele origin: germline. Not counted in ClinVar's aggregate classification.
Comment: The TTN c.5813T>C variant is predicted to result in the amino acid substitution p.Val1938Ala. To our knowledge, this variant has not been reported in the literature. This variant is reported in 0.027% of alleles in individuals of East Asian descent in gnomAD. At this time, the clinical significance of this variant is uncertain due to the absence of conclusive functional and genetic evidence.